The following is an entry in ClinVar:

NM_012414.4(RAB3GAP2):c.1131-4T>C

Gene: RAB3GAP2 (RAB3 GTPase activating non-catalytic protein subunit 2; minus strand). Cytogenetic location: 1q41.
Variant type: single nucleotide variant.
Coding change: c.1131-4T>C on transcript NM_012414.4 (MANE Select); 4 bases into the intron before coding-DNA position 1131, T replaced by C.
Molecular consequence: intron variant.
Genome position (GRCh38, 1-based): chr1:220,193,383, A>G on the plus strand (T>C on the coding strand, the complement: RAB3GAP2 is on the minus strand). VCF-style: chr1-220193383-A-G. GRCh37 (hg19) VCF-style: chr1-220366725-A-G.
Identifiers: ClinVar variation 295663 (VCV000295663.10), dbSNP rs752780415, ClinGen allele CA1402752.

ClinVar aggregate classification (germline): Conflicting classifications of pathogenicity. Review status: criteria provided, conflicting classifications (1 of 4 stars). 4 submissions from 3 submitters: Uncertain significance (3); Likely benign (1). Last evaluated 2024-05-19.

Conditions:
Inborn genetic diseases. Identifiers: MedGen C0950123, MeSH D030342.
Warburg micro syndrome 2 (WARBM2). Also called: MICRO SYNDROME 2. Identifiers: Orphanet 2510, MedGen C3280214, MONDO:0013641, OMIM 614225.
Martsolf syndrome (MARTS). Also called: Congenital cataract with intellectual disability and hypogonadotropic hypogonadism syndrome. Identifiers: Orphanet 1387, MedGen C0796037, MONDO:0023910.

Allele frequency attached by ClinVar (database versions not stated): TOPMed 0.00001; ExAC 0.00003; gnomAD 0.00003; gnomAD exomes 0.00004.
gnomAD v4.1: 70 of 1,613,244 alleles (0.0043%); highest among the groups gnomAD compares: Middle Eastern, 0.22%; no homozygotes.

Submissions (4):

Labcorp Genetics (formerly Invitae), Labcorp
Classification: Likely benign for Martsolf syndrome; Warburg micro syndrome 2. Last evaluated: 2024-05-19. Review status: criteria provided, single submitter. Criteria: Invitae Variant Classification Sherloc (09022015). Collection method: clinical testing. Allele origin: germline.

Ambry Genetics
Classification: Uncertain significance for Inborn genetic diseases. Last evaluated: 2021-06-02. Review status: criteria provided, single submitter. Criteria: Ambry Variant Classification Scheme 2023. Collection method: clinical testing. Allele origin: germline.
Comment: The c.1131-4T>C intronic alteration consists of a T to C substitution 4 nucleotides before coding exon 13 in the RAB3GAP2 gene. Based on insufficient or conflicting evidence, the clinical significance of this alteration remains unclear.

Illumina Laboratory Services, Illumina
Classification: Uncertain significance for Warburg micro syndrome 2. Last evaluated: 2018-01-12. Review status: criteria provided, single submitter. Criteria: ICSL Variant Classification Criteria 13 December 2019. Collection method: clinical testing. Allele origin: germline.

Illumina Laboratory Services, Illumina
Classification: Uncertain significance for Martsolf syndrome 1. Last evaluated: 2018-01-12. Review status: criteria provided, single submitter. Criteria: ICSL Variant Classification Criteria 13 December 2019. Collection method: clinical testing. Allele origin: germline.